The following is an entry in ClinVar:

NM_001165963.4(SCN1A):c.418A>G (p.Thr140Ala)

Gene: SCN1A (sodium voltage-gated channel alpha subunit 1; minus strand). Cytogenetic location: 2q24.3.
Variant type: single nucleotide variant.
Coding change: c.418A>G on transcript NM_001165963.4 (MANE Select); coding-DNA position 418, A replaced by G.
Protein change: p.Thr140Ala; replaces threonine 140 with alanine.
Molecular consequence: missense variant. On other transcripts: 5 prime UTR variant (1), non-coding transcript variant (1).
Genome position (GRCh38, 1-based): chr2:166,056,466, T>C on the plus strand (A>G on the coding strand, the complement: SCN1A is on the minus strand). VCF-style: chr2-166056466-T-C. GRCh37 (hg19) VCF-style: chr2-166912976-T-C.
Other names: p.T140A:ACA>GCA; c.418A>G, p.Thr140Ala (NM_001165964.3, NM_001202435.3, NM_001353948.2 and 10 more transcripts); c.-2008A>G (NM_001353961.2); short protein forms T140A.
Identifiers: ClinVar variation 206738 (VCV000206738.15), dbSNP rs796052956, ClinGen allele CA317126.

ClinVar aggregate classification (germline): Uncertain significance. Review status: criteria provided, multiple submitters, no conflicts (2 of 4 stars). 3 submissions from 3 submitters: Uncertain significance (3). Last evaluated 2024-08-20.

Conditions:
Early-infantile DEE. Also called: Ohtahara syndrome; Early infantile epileptic encephalopathy; Early infantile epileptic encephalopathy with suppression bursts. Identifiers: Orphanet 1934, MedGen C0393706, MONDO:0800491.

Allele frequency attached by ClinVar (database versions not stated): gnomAD 0.00001; gnomAD exomes 0.00001; TOPMed 0.00001.
gnomAD v4.1: 18 of 1,607,694 alleles (0.0011%); highest among the groups gnomAD compares: Non-Finnish European, 0.0015%; no homozygotes.

Submissions (3):

Blueprint Genetics
Classification: Uncertain significance. Last evaluated: 2024-08-20. Review status: criteria provided, single submitter. Criteria: ACMG Guidelines, 2015. Collection method: clinical testing. Allele origin: germline.

GeneDx
Classification: Uncertain significance. Last evaluated: 2023-10-17. Review status: criteria provided, single submitter. Criteria: GeneDx Variant Classification Process June 2021. Collection method: clinical testing. Allele origin: germline. Affected: yes.
Comment: Reported previously as a variant of uncertain significance in an individual with seizures and speech delay; parental segregation studies not performed (Haviland et al., 2022); Missense variants in this gene are a common cause of disease and they are underrepresented in the general population; In silico analysis supports that this missense variant has a deleterious effect on protein structure/function; This substitution is predicted to be within the transmembrane segment S1 of the first homologous domain; This variant is associated with the following publications: (PMID: 36403551)

Labcorp Genetics (formerly Invitae), Labcorp
Classification: Uncertain significance for Early-infantile DEE. Last evaluated: 2022-05-11. Review status: criteria provided, single submitter. Criteria: Invitae Variant Classification Sherloc (09022015). Collection method: clinical testing. Allele origin: germline.
Comment: In summary, the available evidence is currently insufficient to determine the role of this variant in disease. Therefore, it has been classified as a Variant of Uncertain Significance. Algorithms developed to predict the effect of missense changes on protein structure and function (SIFT, PolyPhen-2, Align-GVGD) all suggest that this variant is likely to be tolerated. ClinVar contains an entry for this variant (Variation ID: 206738). This variant has not been reported in the literature in individuals affected with SCN1A-related conditions. This variant is not present in population databases (gnomAD no frequency). This sequence change replaces threonine, which is neutral and polar, with alanine, which is neutral and non-polar, at codon 140 of the SCN1A protein (p.Thr140Ala).